The following is an entry in ClinVar:

NM_001330.5(CTF1):c.244C>A (p.Pro82Thr)

Genes: CTF1 (cardiotrophin 1; plus strand), LOC130058878 (ATAC-STARR-seq lymphoblastoid silent region 7400; plus strand). Cytogenetic location: 16p11.2.
Variant type: single nucleotide variant.
Coding change: c.244C>A on transcript NM_001330.5 (MANE Select); coding-DNA position 244, C replaced by A.
Protein change: p.Pro82Thr; replaces proline 82 with threonine.
Molecular consequence: missense variant. On other transcripts: non-coding transcript variant (1).
Genome position (GRCh38, 1-based): chr16:30,902,177, C>A. VCF-style: chr16-30902177-C-A. GRCh37 (hg19) VCF-style: chr16-30913498-C-A.
Other names: c.241C>A, p.Pro81Thr (NM_001142544.3); short protein forms P81T, P82T.
Identifiers: ClinVar variation 4789922 (VCV004789922.1).
Genomic context (GRCh38, chr16:30,902,177, plus strand): 5'-TCGCCGCCGCGGCTGCCGGTGGCCGGCCTGAGCGCCCCGGCTCCGAGCCACGCGGGGCTG[C>A]CAGTGCACGAGCGGCTGCGGCTGGACGCGGCGGCGCTGGCCGCGCTGCCCCCGCTGCTGG-3'
Protein context (NP_001321.1, residues 72-92): SAPAPSHAGL[Pro82Thr]VHERLRLDAA

ClinVar aggregate classification (germline): Uncertain significance (1 of 4 stars; one submission).

Submission:

Labcorp Genetics (formerly Invitae), Labcorp
Classification: Uncertain significance. Last evaluated: 2026-01-18. Review status: criteria provided, single submitter. Criteria: Invitae Variant Classification Sherloc (09022015). Collection method: clinical testing. Allele origin: germline.
Comment: This sequence change replaces proline, which is neutral and non-polar, with threonine, which is neutral and polar, at codon 82 of the CTF1 protein (p.Pro82Thr). This variant is not present in population databases (gnomAD no frequency). This variant has not been reported in the literature in individuals affected with CTF1-related conditions. An algorithm developed to predict the effect of missense changes on protein structure and function (PolyPhen-2) suggests that this variant is likely to be disruptive. In summary, the available evidence is currently insufficient to determine the role of this variant in disease. Therefore, it has been classified as a Variant of Uncertain Significance.